The following is an entry in ClinVar:

Conditions:
Complex neurodevelopmental disorder. Identifiers: Orphanet 528084, MedGen C5568766, MONDO:0100038.

Submission:

Channelopathy-Associated Epilepsy Research Center
No classification provided (evidence only). Condition: Complex neurodevelopmental disorder. Review status: no classification provided. Collection method: literature only. Allele origin: not applicable. Functional consequence: Moderate hyperpolarizing shift of voltage dependence of activation, Increase in slope of activation, Mild hyperpolarizing shift of voltage dependence of fast inactivation, Slowing of recovery from fast inactivation, Mild decrease in peak current, Overall gain-of-function effect with respect to biophysical channel activity.
ClinVar note: "not provided" was previously submitted as the classification for the variant. However, the classification appeared to be based only on an observation of functional data so it was converted to no classification on 2025-07-30.

Literature cited by the submitters: PubMed 34847423.

NM_014191.4(SCN8A):c.667_668delinsCA (p.Arg223Gln)

Gene: SCN8A (sodium voltage-gated channel alpha subunit 8; plus strand). Cytogenetic location: 12q13.13.
Variant type: Indel.
Coding change: c.667_668delinsCA on transcript NM_014191.4 (MANE Plus Clinical); coding-DNA positions 667 to 668, AG replaced by CA.
Protein change: p.Arg223Gln; replaces arginine 223 with glutamine.
Molecular consequence: missense variant. On other transcripts: intron variant (2).
Genome position (GRCh38, 1-based): chr12:51,688,810-51,688,811, AG replaced by CA. VCF-style: chr12-51688810-AG-CA. GRCh37 (hg19) VCF-style: chr12-52082594-AG-CA.
Other names: c.667_668delinsCA, p.Arg223Gln (NM_001177984.3); c.615-195_615-194delinsCA (NM_001330260.2, NM_001369788.1); c.667_668delAGinsCA (NM_014191.3); short protein forms R223Q.
Identifiers: ClinVar variation 3067146 (VCV003067146.2), dbSNP rs2540158691, ClinGen allele CA2825002089.